The following is an entry in ClinVar:

NM_001371623.1(TCOF1):c.1091C>T (p.Ala364Val)

Gene: TCOF1 (treacle ribosome biogenesis factor 1; plus strand). Cytogenetic location: 5q32.
Variant type: single nucleotide variant.
Coding change: c.1091C>T on transcript NM_001371623.1 (MANE Select); coding-DNA position 1091, C replaced by T.
Protein change: p.Ala364Val; replaces alanine 364 with valine.
Molecular consequence: missense variant.
Genome position (GRCh38, 1-based): chr5:150,374,624, C>T. VCF-style: chr5-150374624-C-T. GRCh37 (hg19) VCF-style: chr5-149754187-C-T.
Other names: c.860C>T, p.Ala287Val (NM_000356.4, NM_001135245.2); c.1091C>T, p.Ala364Val (NM_001008657.3, NM_001135243.2, NM_001135244.2 and 1 more transcripts); short protein forms A287V, A364V.
Identifiers: ClinVar variation 2528611 (VCV002528611.3), dbSNP rs745940724, ClinGen allele CA3510755.

ClinVar aggregate classification (germline): Uncertain significance. Review status: criteria provided, multiple submitters, no conflicts (2 of 4 stars). 2 submissions from 2 submitters: Uncertain significance (2). Last evaluated 2025-07-14.

Conditions:
Inborn genetic diseases. Identifiers: MedGen C0950123, MeSH D030342.
Treacher Collins syndrome 1 (TCS1). Also called: TCOF1-Related Treacher Collins Syndrome. Identifiers: Orphanet 861, MedGen CN315775, MONDO:0007944, OMIM 154500.

Allele frequency attached by ClinVar (database versions not stated): gnomAD 0.00001.
gnomAD v4.1: 50 of 1,612,832 alleles (0.0031%); highest among the groups gnomAD compares: Non-Finnish European, 0.0042%; no homozygotes.

Submissions (2):

Labcorp Genetics (formerly Invitae), Labcorp
Classification: Uncertain significance for Treacher Collins syndrome 1. Last evaluated: 2025-07-14. Review status: criteria provided, single submitter. Criteria: Invitae Variant Classification Sherloc (09022015). Collection method: clinical testing. Allele origin: germline.
Comment: This sequence change replaces alanine, which is neutral and non-polar, with valine, which is neutral and non-polar, at codon 364 of the TCOF1 protein (p.Ala364Val). This variant is present in population databases (rs745940724, gnomAD 0.003%). This variant has not been reported in the literature in individuals affected with TCOF1-related conditions. ClinVar contains an entry for this variant (Variation ID: 2528611). An algorithm developed to predict the effect of missense changes on protein structure and function (PolyPhen-2) suggests that this variant is likely to be disruptive. In summary, the available evidence is currently insufficient to determine the role of this variant in disease. Therefore, it has been classified as a Variant of Uncertain Significance.

Ambry Genetics
Classification: Uncertain significance for Inborn genetic diseases. Last evaluated: 2023-04-05. Review status: criteria provided, single submitter. Criteria: Ambry Variant Classification Scheme 2023. Collection method: clinical testing. Allele origin: germline.